The following is an entry in ClinVar:

ClinVar aggregate classification (germline): Uncertain significance. Review status: criteria provided, multiple submitters, no conflicts (2 of 4 stars). 5 submissions from 5 submitters: Uncertain significance (5). Last evaluated 2025-12-23.

Conditions:
Inborn genetic diseases. Identifiers: MedGen C0950123, MeSH D030342.
COL9A3-related disorder. Also called: COL9A3-related condition.

Allele frequency attached by ClinVar (database versions not stated): gnomAD exomes 0.00004 and 0.00019; ExAC 0.00005; gnomAD 0.00005; ESP Exome Variant Server 0.00008; TOPMed 0.00014.
gnomAD v4.1: 270 of 1,613,120 alleles (0.017%); highest among the groups gnomAD compares: Non-Finnish European, 0.022%; no homozygotes.

Submissions (5):

Labcorp Genetics (formerly Invitae), Labcorp
Classification: Uncertain significance. Last evaluated: 2025-12-23. Review status: criteria provided, single submitter. Criteria: Invitae Variant Classification Sherloc (09022015). Collection method: clinical testing. Allele origin: germline.
Comment: This sequence change replaces proline, which is neutral and non-polar, with leucine, which is neutral and non-polar, at codon 109 of the COL9A3 protein (p.Pro109Leu). This variant is present in population databases (rs367778234, gnomAD 0.02%). This variant has not been reported in the literature in individuals affected with COL9A3-related conditions. ClinVar contains an entry for this variant (Variation ID: 1202292). Invitae Evidence Modeling of protein sequence and biophysical properties (such as structural, functional, and spatial information, amino acid conservation, physicochemical variation, residue mobility, and thermodynamic stability) indicates that this missense variant is not expected to disrupt COL9A3 protein function with a negative predictive value of 95%. In summary, the available evidence is currently insufficient to determine the role of this variant in disease. Therefore, it has been classified as a Variant of Uncertain Significance.

PreventionGenetics, part of Exact Sciences
Classification: Uncertain significance for COL9A3-related condition. Last evaluated: 2025-06-13. Review status: criteria provided, single submitter. Criteria: ACMG Guidelines, 2015. Collection method: clinical testing. Allele origin: germline.
Comment: The COL9A3 c.326C>T variant is predicted to result in the amino acid substitution p.Pro109Leu. To our knowledge, this variant has not been reported in the literature. This variant is reported in 0.016% of alleles in individuals of African descent in gnomAD. At this time, the clinical significance of this variant is uncertain due to the absence of conclusive functional and genetic evidence.

Ambry Genetics
Classification: Uncertain significance for Inborn genetic diseases. Last evaluated: 2025-04-02. Review status: criteria provided, single submitter. Criteria: Ambry Variant Classification Scheme 2023. Collection method: clinical testing. Allele origin: germline.

Blueprint Genetics
Classification: Uncertain significance. Last evaluated: 2023-03-09. Review status: criteria provided, single submitter. Criteria: ACMG Guidelines, 2015. Collection method: clinical testing. Allele origin: germline.

GeneDx
Classification: Uncertain significance. Last evaluated: 2022-07-26. Review status: criteria provided, single submitter. Criteria: GeneDx Variant Classification Process June 2021. Collection method: clinical testing. Allele origin: germline. Affected: yes.
Comment: Has not been previously published as pathogenic or benign to our knowledge; In silico analysis supports that this missense variant has a deleterious effect on protein structure/function

NM_001853.4(COL9A3):c.326C>T (p.Pro109Leu)

Gene: COL9A3 (collagen type IX alpha 3 chain; plus strand). Cytogenetic location: 20q13.33.
Variant type: single nucleotide variant.
Coding change: c.326C>T on transcript NM_001853.4 (MANE Select); coding-DNA position 326, C replaced by T.
Protein change: p.Pro109Leu; replaces proline 109 with leucine.
Molecular consequence: missense variant.
Genome position (GRCh38, 1-based): chr20:62,821,197, C>T. VCF-style: chr20-62821197-C-T. GRCh37 (hg19) VCF-style: chr20-61452549-C-T.
Other names: short protein forms P109L.
Identifiers: ClinVar variation 1202292 (VCV001202292.17), dbSNP rs367778234, ClinGen allele CA9949158.
Genomic context (GRCh38, chr20:62,821,197, plus strand): 5'-AATAGAGGCCCAGCCCAACCTAGACGCCTGCTTTCCTCCCACAGGGAAGTCTGGGACCCC[C>T]GGGGCCGCCCGGGCTGGGGGTGAGTATGGAGTGTGGTCCTCTCCTCTCCATGGGAGTTTG-3'
Protein context (NP_001844.3, residues 99-119): APGERGSLGP[Pro109Leu]GPPGLGGKGL